The following is an entry in ClinVar:

ClinVar aggregate classification (germline): Benign (1 of 4 stars; one submission).

Conditions:
Oroticaciduria. Also called: Orotic aciduria. Identifiers: Orphanet 30, MedGen C0268128, HP:0003218.

Allele frequency attached by ClinVar (database versions not stated): gnomAD 0.01362 and 0.01141; 1000 Genomes Project 30x 0.02764; gnomAD exomes 0.02618 and 0.02133; 1000 Genomes Project 0.02776; TOPMed 0.01400; ExAC 0.03206.
gnomAD v4.1: 8,419 of 454,122 alleles (1.9%); highest among the groups gnomAD compares: East Asian, 6.1%; 172 homozygotes.

Submission:

Illumina Laboratory Services, Illumina
Classification: Benign for Hereditary orotic aciduria. Last evaluated: 2018-01-13. Review status: criteria provided, single submitter. Criteria: ICSL Variant Classification Criteria 13 December 2019. Collection method: clinical testing. Allele origin: germline.
Comment: This variant was observed in the ICSL laboratory as part of a predisposition screen in an ostensibly healthy population. It had not been previously curated by ICSL or reported in the Human Gene Mutation Database (HGMD: prior to June 1st, 2018), and was therefore a candidate for classification through an automated scoring system. Utilizing variant allele frequency, disease prevalence and penetrance estimates, and inheritance mode, an automated score was calculated to assess if this variant is too frequent to cause the disease. Based on the score and internal cut-off values, a variant classified as benign is not then subjected to further curation. The score for this variant resulted in a classification of benign for this disease.

NM_000373.4(UMPS):c.*3376C>T

Gene: UMPS (uridine monophosphate synthetase; plus strand). Cytogenetic location: 3q21.2.
Variant type: single nucleotide variant.
Coding change: c.*3376C>T on transcript NM_000373.4 (MANE Select); 3376 bases downstream of the stop codon, C replaced by T.
Molecular consequence: 3 prime UTR variant. On other transcripts: non-coding transcript variant (2).
Genome position (GRCh38, 1-based): chr3:124,747,460, C>T. VCF-style: chr3-124747460-C-T. GRCh37 (hg19) VCF-style: chr3-124466307-C-T.
Identifiers: ClinVar variation 343006 (VCV000343006.5), dbSNP rs76151694, ClinGen allele CA2582115.